The following is an entry in ClinVar:

ClinVar aggregate classification (germline): Benign/Likely benign. Review status: criteria provided, multiple submitters, no conflicts (2 of 4 stars). 5 submissions from 5 submitters: Benign (1); Likely benign (3). 1 of the submissions does not count toward it. Last evaluated 2026-02-02.

Conditions:
CDH2-related disorder. Also called: CDH2-related condition.
Inborn genetic diseases. Identifiers: MedGen C0950123, MeSH D030342.

Allele frequency attached by ClinVar (database versions not stated): ExAC 0.00055; gnomAD 0.00141 and 0.00152; TOPMed 0.00156; 1000 Genomes Project 30x 0.00219; 1000 Genomes Project 0.00220; ESP Exome Variant Server 0.00238; gnomAD exomes 0.00012 and 0.00032.
gnomAD v4.1: 390 of 1,611,856 alleles (0.024%); highest among the groups gnomAD compares: African/African-American, 0.48%; 1 homozygote.

Submissions (5):

Labcorp Genetics (formerly Invitae), Labcorp
Classification: Benign. Last evaluated: 2026-02-02. Review status: criteria provided, single submitter. Criteria: Invitae Variant Classification Sherloc (09022015). Collection method: clinical testing. Allele origin: germline.

CeGaT Center for Human Genetics Tuebingen
Classification: Likely benign. Last evaluated: 2025-12-01. Review status: criteria provided, single submitter. Criteria: CeGaT Center For Human Genetics Tuebingen Variant Classification Criteria Version 2. Collection method: clinical testing. Allele origin: germline. Affected: yes. Observed: 1 variant allele.
Comment: CDH2: BP4, BP7

Blueprint Genetics
Classification: Likely benign. Last evaluated: 2023-04-03. Review status: criteria provided, single submitter. Criteria: ACMG Guidelines, 2015. Collection method: clinical testing. Allele origin: germline.

Ambry Genetics
Classification: Likely benign for Inborn genetic diseases. Last evaluated: 2022-02-17. Review status: criteria provided, single submitter. Criteria: Ambry Variant Classification Scheme 2023. Collection method: clinical testing. Allele origin: germline.

PreventionGenetics, part of Exact Sciences
Classification: Likely benign for CDH2-related condition. Last evaluated: 2019-10-28. Review status: no assertion criteria provided. Collection method: clinical testing. Allele origin: germline. Not counted in ClinVar's aggregate classification.
Comment: This variant is classified as likely benign based on ACMG/AMP sequence variant interpretation guidelines (Richards et al. 2015 PMID: 25741868, with internal and published modifications).

NM_001792.5(CDH2):c.189C>T (p.Cys63=)

Gene: CDH2 (cadherin 2; minus strand). Cytogenetic location: 18q12.1.
Variant type: single nucleotide variant.
Coding change: c.189C>T on transcript NM_001792.5 (MANE Select); coding-DNA position 189, C replaced by T.
Protein change: p.Cys63=; no amino-acid change (cysteine 63 retained).
Molecular consequence: synonymous variant.
Genome position (GRCh38, 1-based): chr18:28,013,893, G>A on the plus strand (C>T on the coding strand, the complement: CDH2 is on the minus strand). VCF-style: chr18-28013893-G-A. GRCh37 (hg19) VCF-style: chr18-25593857-G-A.
Other names: c.96C>T, p.Cys32= (NM_001308176.2); c.189C>T (NM_001792.4).
Identifiers: ClinVar variation 1673711 (VCV001673711.18), dbSNP rs141867137, ClinGen allele CA8923756.
Genomic context (GRCh38, chr18:28,013,893, plus strand): 5'-TTCATCCACCTTAAAATCTGCAGGCTCACTGCTCTCATATTGTACTTTTCTTTTTCCATT[G>A]CAGTTGCTAAACTTCACTGTAAAAGATAAGAAATAGGTCAGTTATTATAATTATACCAAA-3'
Protein context (NP_001783.2, residues 53-73): QPLLNVKFSN[Cys63=]NGKRKVQYES